The following is an entry in ClinVar:

NM_001370259.2(MEN1):c.1065_1066del (p.Glu356fs)

Gene: MEN1 (menin 1; minus strand). Cytogenetic location: 11q13.1.
Variant type: Deletion.
Coding change: c.1065_1066del on transcript NM_001370259.2 (MANE Select); coding-DNA positions 1065 to 1066, 2 bases deleted (GG; older notation c.1065_1066delGG).
Protein change: p.Glu356fs; shifts the reading frame from glutamic acid 356.
Molecular consequence: frameshift variant. On other transcripts: non-coding transcript variant (4).
Genome position (GRCh38, 1-based): chr11:64,805,754-64,805,755, CC deleted on the plus strand (GG on the coding strand, the reverse complement: MEN1 is on the minus strand); deleting any 2 consecutive bases within chr11:64,805,754-64,805,756 gives the same sequence; the c. name uses the placement nearest the transcript's 3' end. VCF-style (leftmost placement, unchanged base first): chr11-64805753-TCC-T. GRCh37 (hg19) VCF-style: chr11-64573225-TCC-T.
Other names: c.1080_1081del, p.Glu361fs (NM_130802.3, NM_130803.3, NM_130804.3 and 4 more transcripts); c.1065_1066del, p.Glu356fs (NM_001370261.2, NM_001407146.1, NM_001407147.1 and 3 more transcripts); c.960_961del, p.Glu321fs (NM_001370262.2, NM_001370263.2, NM_001407148.1 and 1 more transcripts); c.1191_1192del, p.Glu398fs (NM_001407142.1, NM_001407143.1, NM_001407144.1 and 1 more transcripts); c.1206_1207del, p.Glu403fs (NM_001407150.1); c.1086_1087del, p.Glu363fs (NM_001407151.1); short protein forms E321fs, E356fs, E361fs, E363fs, E398fs, E403fs.
Identifiers: ClinVar variation 5042612 (VCV005042612.1).

ClinVar aggregate classification (germline): Likely pathogenic (1 of 4 stars; one submission).

Conditions:
Multiple endocrine neoplasia, type 1 (MEN1). Also called: MEN I; WERMER SYNDROME; Endocrine adenomatosis multiple; MEN 1; MEA I. Identifiers: Orphanet 652, MedGen C0025267, MeSH D018761, MONDO:0007540, OMIM 131100.

Submission:

Hema, HEMA – Genetic and Molecular Diagnostic Laboratory
Classification: Likely pathogenic for Multiple endocrine neoplasia, type 1. Last evaluated: 2025-02-03. Review status: criteria provided, single submitter. Criteria: HEMA Variant Classification Assertion Criteria. Collection method: clinical testing. Allele origin: germline.
Comment: The variant NM_001370259.2:c.1065_1066del is a two-nucleotide cytosine deletion that results in a frameshift in MEN1. PVS1: Null variant (nonsense) in a gene for which loss of function is a known disease mechanism. It is a nonsense variant that introduces a premature stop codon in exon 8, which is predicted to lead to nonsense-mediated decay (NMD) of the transcript. PM2_supporting: Absent in the gnomAD database.